The following is an entry in ClinVar:

ClinVar aggregate classification (germline): Uncertain significance (1 of 4 stars; one submission).

Submission:

Ambry Genetics
Classification: Uncertain significance. Last evaluated: 2025-05-15. Review status: criteria provided, single submitter. Criteria: Ambry Variant Classification Scheme 2023. Collection method: clinical testing. Allele origin: germline.
Comment: The p.L135F variant (also known as c.403C>T), located in coding exon 4 of the RECQL gene, results from a C to T substitution at nucleotide position 403. The leucine at codon 135 is replaced by phenylalanine, an amino acid with highly similar properties. This amino acid position is conserved. In addition, the in silico prediction for this alteration is inconclusive. Since supporting evidence is limited at this time, the clinical significance of this alteration remains unclear.

NM_002907.4(RECQL):c.403C>T (p.Leu135Phe)

Gene: RECQL (RecQ like helicase; minus strand). Cytogenetic location: 12p12.1.
Variant type: single nucleotide variant.
Coding change: c.403C>T on transcript NM_002907.4 (MANE Select); coding-DNA position 403, C replaced by T.
Protein change: p.Leu135Phe; replaces leucine 135 with phenylalanine.
Molecular consequence: missense variant.
Genome position (GRCh38, 1-based): chr12:21,486,577, G>A on the plus strand (C>T on the coding strand, the complement: RECQL is on the minus strand). VCF-style: chr12-21486577-G-A. GRCh37 (hg19) VCF-style: chr12-21639511-G-A.
Other names: c.403C>T, p.Leu135Phe (NM_032941.3); short protein forms L135F.
Identifiers: ClinVar variation 1737270 (VCV001737270.3), dbSNP rs2540387520, ClinGen allele CA384130410.
Genomic context (GRCh38, chr12:21,486,577, plus strand): 5'-CTAATTGTTTTAAAACCATTAATTGGTCTTCCATAAGAGAGATCAATGGGCAAATGACGA[G>A]TGTAAAACCTAAAAGAGAAAAAAAAAAAAATCTACCTTAAACTTTACACCACCCTCAGAA-3'
Protein context (NP_002898.2, residues 125-145): LPALCSDGFT[Leu135Phe]VICPLISLME